The following is an entry in ClinVar:

ClinVar aggregate classification (germline): Conflicting classifications of pathogenicity. Review status: criteria provided, conflicting classifications (1 of 4 stars). 3 submissions from 3 submitters: Uncertain significance (2); Likely benign (1). Last evaluated 2024-08-06.

Conditions:
Lynch syndrome. Identifiers: Orphanet 144, MedGen C4552100, MONDO:0005835. Disease mechanism: loss of function.
Hereditary cancer-predisposing syndrome. Also called: Tumor predisposition; Hereditary neoplastic syndrome; Hereditary Cancer Syndrome; Neoplastic Syndromes, Hereditary. Identifiers: Orphanet 140162, MedGen C0027672, MeSH D009386, MONDO:0015356.

Submissions (3):

All of Us Research Program, National Institutes of Health
Classification: Uncertain significance for Lynch syndrome. Last evaluated: 2024-08-06. Review status: criteria provided, single submitter. Criteria: ACMG Guidelines, 2015. Collection method: clinical testing. Allele origin: germline. Inheritance: Autosomal dominant inheritance. Observed: 1 variant allele, 1 heterozygote.
Comment: This missense variant replaces tyrosine with cysteine at codon 268 of the PMS2 protein. Computational prediction suggests that this variant may not impact protein structure and function (internally defined REVEL score threshold <= 0.5, PMID: 27666373). To our knowledge, functional studies have not been reported for this variant. This variant has not been reported in individuals affected with hereditary cancer in the literature. This variant has not been identified in the general population by the Genome Aggregation Database (gnomAD). The available evidence is insufficient to determine the role of this variant in disease conclusively. Therefore, this variant is classified as a Variant of Uncertain Significance.

This study involves interpretation of variants in research participants for the purpose of population health screening. Participant phenotype was not available at the time of variant classification. Additional details can be found in publication PMID: 35346344, PMCID: PMC8962531

Ambry Genetics
Classification: Likely benign for Hereditary cancer-predisposing syndrome. Last evaluated: 2024-04-06. Review status: criteria provided, single submitter. Criteria: Ambry Variant Classification Scheme 2023. Collection method: clinical testing. Allele origin: germline.

Color Diagnostics, LLC DBA Color Health
Classification: Uncertain significance for Hereditary cancer-predisposing syndrome. Last evaluated: 2020-10-28. Review status: criteria provided, single submitter. Criteria: ACMG Guidelines, 2015. Collection method: clinical testing. Allele origin: germline.
Comment: This missense variant replaces tyrosine with cysteine at codon 268 of the PMS2 protein. Computational prediction suggests that this variant may not impact protein structure and function (internally defined REVEL score threshold <= 0.5, PMID: 27666373). To our knowledge, functional studies have not been reported for this variant. This variant has not been reported in individuals affected with hereditary cancer in the literature. This variant has not been identified in the general population by the Genome Aggregation Database (gnomAD). The available evidence is insufficient to determine the role of this variant in disease conclusively. Therefore, this variant is classified as a Variant of Uncertain Significance.

NM_000535.7(PMS2):c.803A>G (p.Tyr268Cys)

Gene: PMS2 (PMS1 homolog 2, mismatch repair system component; minus strand). Cytogenetic location: 7p22.1.
Variant type: single nucleotide variant.
Coding change: c.803A>G on transcript NM_000535.7 (MANE Select); coding-DNA position 803, A replaced by G.
Protein change: p.Tyr268Cys; replaces tyrosine 268 with cysteine.
Molecular consequence: missense variant. On other transcripts: 5 prime UTR variant (2), non-coding transcript variant (1).
Genome position (GRCh38, 1-based): chr7:5,997,326, T>C on the plus strand (A>G on the coding strand, the complement: PMS2 is on the minus strand). VCF-style: chr7-5997326-T-C. GRCh37 (hg19) VCF-style: chr7-6036957-T-C.
Other names: c.803A>G (NM_000535.5); c.398A>G, p.Tyr133Cys (NM_001322003.2, NM_001322004.2, NM_001322005.2 and 2 more transcripts); c.803A>G, p.Tyr268Cys (NM_001322006.2, NM_001322014.2); c.485A>G, p.Tyr162Cys (NM_001322007.2, NM_001322008.2); c.-131A>G (NM_001322011.2, NM_001322012.2); c.230A>G, p.Tyr77Cys (NM_001322013.2); c.494A>G, p.Tyr165Cys (NM_001322015.2); short protein forms Y133C, Y162C, Y165C, Y268C, Y77C.
Identifiers: ClinVar variation 1171564 (VCV001171564.4), dbSNP rs1347758423, ClinGen allele CA366743601.